The following is an entry in ClinVar:

ClinVar aggregate classification (germline): Uncertain significance. Review status: criteria provided, multiple submitters, no conflicts (2 of 4 stars). 2 submissions from 2 submitters: Uncertain significance (2). Last evaluated 2025-06-29.

Conditions:
Mosaic variegated aneuploidy syndrome 1 (MVA1). Also called: Warburton-Anyane-Yeboa syndrome. Identifiers: Orphanet 1052, MedGen C1850343, MONDO:0009759, OMIM 257300.
Inborn genetic diseases. Identifiers: MedGen C0950123, MeSH D030342.

Allele frequency attached by ClinVar (database versions not stated): gnomAD exomes below 0.00001.

Submissions (2):

Ambry Genetics
Classification: Uncertain significance for Inborn genetic diseases. Last evaluated: 2025-06-29. Review status: criteria provided, single submitter. Criteria: Ambry Variant Classification Scheme 2023. Collection method: clinical testing. Allele origin: germline.
Comment: The p.M138I variant (also known as c.414G>A), located in coding exon 5 of the BUB1B gene, results from a G to A substitution at nucleotide position 414. The methionine at codon 138 is replaced by isoleucine, an amino acid with highly similar properties. This amino acid position is conserved. In addition, this alteration is predicted to be tolerated by in silico analysis. Based on the available evidence, the clinical significance of this variant remains unclear.

Labcorp Genetics (formerly Invitae), Labcorp
Classification: Uncertain significance for Mosaic variegated aneuploidy syndrome 1. Last evaluated: 2023-01-13. Review status: criteria provided, single submitter. Criteria: Invitae Variant Classification Sherloc (09022015). Collection method: clinical testing. Allele origin: germline.
Comment: In summary, the available evidence is currently insufficient to determine the role of this variant in disease. Therefore, it has been classified as a Variant of Uncertain Significance. Algorithms developed to predict the effect of missense changes on protein structure and function (SIFT, PolyPhen-2, Align-GVGD) all suggest that this variant is likely to be tolerated. This variant has not been reported in the literature in individuals affected with BUB1B-related conditions. This variant is not present in population databases (gnomAD no frequency). This sequence change replaces methionine, which is neutral and non-polar, with isoleucine, which is neutral and non-polar, at codon 138 of the BUB1B protein (p.Met138Ile).

NM_001211.6(BUB1B):c.414G>A (p.Met138Ile)

Gene: BUB1B (BUB1 mitotic checkpoint serine/threonine kinase B; plus strand). Cytogenetic location: 15q15.1.
Variant type: single nucleotide variant.
Coding change: c.414G>A on transcript NM_001211.6 (MANE Select); coding-DNA position 414, G replaced by A.
Protein change: p.Met138Ile; replaces methionine 138 with isoleucine.
Molecular consequence: missense variant.
Genome position (GRCh38, 1-based): chr15:40,176,506, G>A. VCF-style: chr15-40176506-G-A. GRCh37 (hg19) VCF-style: chr15-40468707-G-A.
Other names: short protein forms M138I.
Identifiers: ClinVar variation 3011610 (VCV003011610.4), dbSNP rs2037225235, ClinGen allele CA391681099.
Genomic context (GRCh38, chr15:40,176,506, plus strand): 5'-AATTGGTTAACTGTTAACACTTCTGTTACAGGGGCGTTTATGCAATGAGCCTTTGGATAT[G>A]TACAGTTACTTGCACAACCAAGGGATTGGTGTTTCACTTGCTCAGTTCTATATCTCATGG-3'
Protein context (NP_001202.5, residues 128-148): LGRLCNEPLD[Met138Ile]YSYLHNQGIG